The following is an entry in ClinVar:

NM_001277115.2(DNAH11):c.12058A>G (p.Met4020Val)

Gene: DNAH11 (dynein axonemal heavy chain 11; plus strand). Cytogenetic location: 7p15.3.
Variant type: single nucleotide variant.
Coding change: c.12058A>G on transcript NM_001277115.2 (MANE Select); coding-DNA position 12058, A replaced by G.
Protein change: p.Met4020Val; replaces methionine 4020 with valine.
Molecular consequence: missense variant.
Genome position (GRCh38, 1-based): chr7:21,873,364, A>G. VCF-style: chr7-21873364-A-G. GRCh37 (hg19) VCF-style: chr7-21912982-A-G.
Other names: c.12079A>G, p.Met4027Val (NM_003777.3); short protein forms M4027V, M4020V.
Identifiers: ClinVar variation 1748534 (VCV001748534.7), dbSNP rs765636819, ClinGen allele CA4182961.

ClinVar aggregate classification (germline): Conflicting classifications of pathogenicity. Review status: criteria provided, conflicting classifications (1 of 4 stars). 2 submissions from 2 submitters: Uncertain significance (1); Benign (1). Last evaluated 2024-01-19.

Conditions:
Primary ciliary dyskinesia. Also called: Ciliary dyskinesia. Identifiers: Orphanet 244, MedGen C0008780, MONDO:0016575, HP:0012265.

Allele frequency attached by ClinVar (database versions not stated): gnomAD 0.00001; TOPMed 0.00002; ExAC 0.00003; gnomAD exomes 0.00011.
gnomAD v4.1: 159 of 1,613,804 alleles (0.0099%); highest among the groups gnomAD compares: Non-Finnish European, 0.013%; no homozygotes.

Submissions (2):

Labcorp Genetics (formerly Invitae), Labcorp
Classification: Benign for Primary ciliary dyskinesia. Last evaluated: 2024-01-19. Review status: criteria provided, single submitter. Criteria: Invitae Variant Classification Sherloc (09022015). Collection method: clinical testing. Allele origin: germline.

Ambry Genetics
Classification: Uncertain significance for Primary ciliary dyskinesia. Last evaluated: 2015-08-30. Review status: criteria provided, single submitter. Criteria: Ambry Variant Classification Scheme 2023. Collection method: clinical testing. Allele origin: germline.
Comment: The p.M4020V variant (also known as c.12058A>G), located in coding exon 74 of the DNAH11 gene, results from an A to G substitution at nucleotide position 12058. The methionine at codon 4020 is replaced by valine, an amino acid with highly similar properties. This variant was not reported in population based cohorts in the following databases: Database of Single Nucleotide Polymorphisms (dbSNP), NHLBI Exome Sequencing Project (ESP), and 1000 Genomes Project. In the ESP, this variant was not observed in 6044 samples (12088 alleles) with coverage at this position. This amino acid position is not well conserved in available vertebrate species. In addition, this alteration is predicted to be deleterious by SIFT in silico analysis. Since supporting evidence is limited at this time, the clinical significance of this variant remains unclear.